The following is an entry in ClinVar:

ClinVar aggregate classification (germline): Uncertain significance (1 of 4 stars; one submission).

Allele frequency attached by ClinVar (database versions not stated): ExAC 0.00002; TOPMed 0.00002; gnomAD 0.00003; gnomAD exomes 0.00004.
gnomAD v4.1: 59 of 1,613,842 alleles (0.0037%); highest among the groups gnomAD compares: South Asian, 0.036%; no homozygotes.

Submission:

Labcorp Genetics (formerly Invitae), Labcorp
Classification: Uncertain significance. Last evaluated: 2022-06-21. Review status: criteria provided, single submitter. Criteria: Invitae Variant Classification Sherloc (09022015). Collection method: clinical testing. Allele origin: germline.
Comment: This sequence change replaces threonine, which is neutral and polar, with methionine, which is neutral and non-polar, at codon 607 of the FREM2 protein (p.Thr607Met). This variant is present in population databases (rs115928688, gnomAD 0.03%). This variant has not been reported in the literature in individuals affected with FREM2-related conditions. Algorithms developed to predict the effect of missense changes on protein structure and function (SIFT, PolyPhen-2, Align-GVGD) all suggest that this variant is likely to be tolerated. In summary, the available evidence is currently insufficient to determine the role of this variant in disease. Therefore, it has been classified as a Variant of Uncertain Significance.

NM_207361.6(FREM2):c.1820C>T (p.Thr607Met)

Gene: FREM2 (FRAS1 related extracellular matrix 2; plus strand). Cytogenetic location: 13q13.3.
Variant type: single nucleotide variant.
Coding change: c.1820C>T on transcript NM_207361.6 (MANE Select); coding-DNA position 1820, C replaced by T.
Protein change: p.Thr607Met; replaces threonine 607 with methionine.
Molecular consequence: missense variant.
Genome position (GRCh38, 1-based): chr13:38,689,164, C>T. VCF-style: chr13-38689164-C-T. GRCh37 (hg19) VCF-style: chr13-39263301-C-T.
Other names: short protein forms T607M.
Identifiers: ClinVar variation 2418817 (VCV002418817.3), dbSNP rs115928688, ClinGen allele CA6954483.